The following is an entry in ClinVar:

ClinVar aggregate classification (germline): Uncertain significance (1 of 4 stars; one submission).

Submission:

Labcorp Genetics (formerly Invitae), Labcorp
Classification: Uncertain significance. Last evaluated: 2022-05-03. Review status: criteria provided, single submitter. Criteria: Invitae Variant Classification Sherloc (09022015). Collection method: clinical testing. Allele origin: germline.
Comment: Algorithms developed to predict the effect of missense changes on protein structure and function are either unavailable or do not agree on the potential impact of this missense change (SIFT: "Deleterious"; PolyPhen-2: "Possibly Damaging"; Align-GVGD: "Class C0"). In summary, the available evidence is currently insufficient to determine the role of this variant in disease. Therefore, it has been classified as a Variant of Uncertain Significance. This variant has not been reported in the literature in individuals affected with USH2A-related conditions. This variant is not present in population databases (gnomAD no frequency). This sequence change replaces histidine, which is basic and polar, with arginine, which is basic and polar, at codon 3979 of the USH2A protein (p.His3979Arg).

NM_206933.4(USH2A):c.11936A>G (p.His3979Arg)

Gene: USH2A (usherin; minus strand). Cytogenetic location: 1q41.
Variant type: single nucleotide variant.
Coding change: c.11936A>G on transcript NM_206933.4 (MANE Select); coding-DNA position 11936, A replaced by G.
Protein change: p.His3979Arg; replaces histidine 3979 with arginine.
Molecular consequence: missense variant.
Genome position (GRCh38, 1-based): chr1:215,728,160, T>C on the plus strand (A>G on the coding strand, the complement: USH2A is on the minus strand). VCF-style: chr1-215728160-T-C. GRCh37 (hg19) VCF-style: chr1-215901502-T-C.
Other names: short protein forms H3979R.
Identifiers: ClinVar variation 2129529 (VCV002129529.4), dbSNP rs2465049716, ClinGen allele CA344828257.